The following is an entry in ClinVar:

NM_003002.4(SDHD):c.259C>G (p.Pro87Ala)

Gene: SDHD (succinate dehydrogenase complex subunit D; plus strand). Cytogenetic location: 11q23.1.
Variant type: single nucleotide variant.
Coding change: c.259C>G on transcript NM_003002.4 (MANE Select); coding-DNA position 259, C replaced by G.
Protein change: p.Pro87Ala; replaces proline 87 with alanine.
Molecular consequence: missense variant. On other transcripts: non-coding transcript variant (1), intron variant (1).
Genome position (GRCh38, 1-based): chr11:112,088,956, C>G. VCF-style: chr11-112088956-C-G. GRCh37 (hg19) VCF-style: chr11-111959680-C-G.
Other names: c.142C>G, p.Pro48Ala (NM_001276504.2); c.259C>G, p.Pro87Ala (NM_001276506.2); c.169+983C>G (NM_001276503.2); short protein forms P87A, P48A.
Identifiers: ClinVar variation 2587187 (VCV002587187.3), dbSNP rs1279566824, ClinGen allele CA382617328.

ClinVar aggregate classification (germline): Uncertain significance (1 of 4 stars; one submission).

Conditions:
Hereditary cancer-predisposing syndrome. Also called: Neoplastic Syndromes, Hereditary; Tumor predisposition; Hereditary Cancer Syndrome; Hereditary neoplastic syndrome. Identifiers: Orphanet 140162, MedGen C0027672, MeSH D009386, MONDO:0015356.

gnomAD v4.1: 1 of 1,614,100 alleles (0.000062%); no homozygotes.

Submission:

Ambry Genetics
Classification: Uncertain significance for Hereditary cancer-predisposing syndrome. Last evaluated: 2026-05-06. Review status: criteria provided, single submitter. Criteria: Ambry Variant Classification Scheme 2023. Collection method: clinical testing. Allele origin: germline.
Comment: The p.P87A variant (also known as c.259C>G), located in coding exon 3 of the SDHD gene, results from a C to G substitution at nucleotide position 259. The proline at codon 87 is replaced by alanine, an amino acid with highly similar properties. This amino acid position is highly conserved in available vertebrate species. In addition, this alteration is predicted to be deleterious by in silico analysis. Based on the available evidence, the clinical significance of this variant remains unclear.